The following is an entry in ClinVar:

ClinVar aggregate classification (germline): Pathogenic (1 of 4 stars; one submission).

Conditions:
Holoprosencephaly 12 with or without pancreatic agenesis. Identifiers: MedGen C5193131, MONDO:0032787, OMIM 618500.
Vissers-Bodmer syndrome. Identifiers: MedGen C5436647, MONDO:0033618, OMIM 619033.

Submission:

Juno Genomics, Hangzhou Juno Genomics, Inc
Classification: Pathogenic for Holoprosencephaly 12 with or without pancreatic agenesis; Vissers-Bodmer syndrome. Review status: criteria provided, single submitter. Criteria: ACMG Guidelines, 2015. Collection method: clinical testing. Allele origin: germline. Affected: yes.
Comment: Absent from controls (or at extremely low frequency if recessive) in Genome Aggregation Database, Exome Sequencing Project, 1000 Genomes Project, or Exome Aggregation Consortium.;Null variant in a gene where loss of function (LOF) is a known mechanism of disease.;Assumed de novo, but without confirmation of paternity and maternity.

NM_016284.5(CNOT1):c.304C>T (p.Gln102Ter)

Gene: CNOT1 (CCR4-NOT transcription complex subunit 1; minus strand). Cytogenetic location: 16q21.
Variant type: single nucleotide variant.
Coding change: c.304C>T on transcript NM_016284.5 (MANE Select); coding-DNA position 304, C replaced by T.
Protein change: p.Gln102Ter; replaces glutamine 102 with a stop codon.
Molecular consequence: nonsense. On other transcripts: non-coding transcript variant (1).
Genome position (GRCh38, 1-based): chr16:58,587,785, G>A on the plus strand (C>T on the coding strand, the complement: CNOT1 is on the minus strand). VCF-style: chr16-58587785-G-A. GRCh37 (hg19) VCF-style: chr16-58621689-G-A.
Other names: c.304C>T, p.Gln102Ter (NM_001265612.2, NM_206999.3); short protein forms Q102*.
Identifiers: ClinVar variation 3767105 (VCV003767105.2).
Genomic context (GRCh38, chr16:58,587,785, plus strand): 5'-CTTTTTAGAAAGCCTAAGGAGAGATCACACTCTTAAAGATAATAGTAATACCAACCTTCT[G>A]ATAGTGCAATGGATTATCAATGGCATAGGACAGCGTCGAGATAAAATTTGGCTTTGTAAT-3'